The following is an entry in ClinVar:

ClinVar aggregate classification (germline): Uncertain significance (1 of 4 stars; one submission).

Conditions:
Familial thoracic aortic aneurysm and aortic dissection (TAAD). Also called: Thoracic aortic aneurysms and dissections. Identifiers: Orphanet 91387, MedGen C4707243, MONDO:0019625.

Submission:

Ambry Genetics
Classification: Uncertain significance for Familial thoracic aortic aneurysm and aortic dissection. Last evaluated: 2024-02-25. Review status: criteria provided, single submitter. Criteria: Ambry Variant Classification Scheme 2023. Collection method: clinical testing. Allele origin: germline.
Comment: The p.T514A variant (also known as c.1540A>G), located in coding exon 14 of the PLOD1 gene, results from an A to G substitution at nucleotide position 1540. The threonine at codon 514 is replaced by alanine, an amino acid with similar properties. This amino acid position is conserved. In addition, this alteration is predicted to be tolerated by in silico analysis. Based on the available evidence, the clinical significance of this alteration remains unclear.

NM_000302.4(PLOD1):c.1540A>G (p.Thr514Ala)

Gene: PLOD1 (procollagen-lysine,2-oxoglutarate 5-dioxygenase 1; plus strand). Cytogenetic location: 1p36.22.
Variant type: single nucleotide variant.
Coding change: c.1540A>G on transcript NM_000302.4 (MANE Select); coding-DNA position 1540, A replaced by G.
Protein change: p.Thr514Ala; replaces threonine 514 with alanine.
Molecular consequence: missense variant.
Genome position (GRCh38, 1-based): chr1:11,965,549, A>G. VCF-style: chr1-11965549-A-G. GRCh37 (hg19) VCF-style: chr1-12025606-A-G.
Other names: c.1681A>G, p.Thr561Ala (NM_001316320.2); short protein forms T514A, T561A.
Identifiers: ClinVar variation 3231126 (VCV003231126.1), dbSNP rs2522856861, ClinGen allele CA338444933.